The following is an entry in ClinVar:

NM_000760.4(CSF3R):c.1864+6G>A

Gene: CSF3R (colony stimulating factor 3 receptor; minus strand). Cytogenetic location: 1p34.3.
Variant type: single nucleotide variant.
Coding change: c.1864+6G>A on transcript NM_000760.4 (MANE Select); 6 bases into the intron after coding-DNA position 1864, G replaced by A.
Molecular consequence: intron variant.
Genome position (GRCh38, 1-based): chr1:36,467,816, C>T on the plus strand (G>A on the coding strand, the complement: CSF3R is on the minus strand). VCF-style: chr1-36467816-C-T. GRCh37 (hg19) VCF-style: chr1-36933417-C-T.
Other names: c.1864+6G>A (NM_156039.3, NM_172313.3).
Identifiers: ClinVar variation 1511011 (VCV001511011.7), dbSNP rs1374999733, ClinGen allele CA735398388.

ClinVar aggregate classification (germline): Conflicting classifications of pathogenicity. Review status: criteria provided, conflicting classifications (1 of 4 stars). 2 submissions from 2 submitters: Uncertain significance (1); Likely benign (1). Last evaluated 2022-03-09.

Conditions:
Autosomal recessive severe congenital neutropenia due to CSF3R deficiency. Also called: Neutropenia, severe congenital, 7, autosomal recessive. Identifiers: Orphanet 420702, MedGen C4310764, MONDO:0014865, OMIM 617014.

Allele frequency attached by ClinVar (database versions not stated): gnomAD 0.00001; gnomAD exomes 0.00001; TOPMed 0.00001.
gnomAD v4.1: 5 of 1,614,152 alleles (0.00031%); highest among the groups gnomAD compares: Non-Finnish European, 0.00034%; no homozygotes.

Submissions (2):

Blueprint Genetics
Classification: Likely benign. Last evaluated: 2022-03-09. Review status: criteria provided, single submitter. Criteria: ACMG Guidelines, 2015. Collection method: clinical testing. Allele origin: germline.

Labcorp Genetics (formerly Invitae), Labcorp
Classification: Uncertain significance for Autosomal recessive severe congenital neutropenia due to CSF3R deficiency. Last evaluated: 2021-06-06. Review status: criteria provided, single submitter. Criteria: Invitae Variant Classification Sherloc (09022015). Collection method: clinical testing. Allele origin: germline.
Comment: In summary, the available evidence is currently insufficient to determine the role of this variant in disease. Therefore, it has been classified as a Variant of Uncertain Significance. Nucleotide substitutions within the consensus splice site are a relatively common cause of aberrant splicing (PMID: 17576681, 9536098). Algorithms developed to predict the effect of sequence changes on RNA splicing suggest that this variant is not likely to affect RNA splicing, but this prediction has not been confirmed by published transcriptional studies. This variant has not been reported in the literature in individuals with CSF3R-related conditions. This variant is not present in population databases (ExAC no frequency). This sequence change falls in intron 14 of the CSF3R gene. It does not directly change the encoded amino acid sequence of the CSF3R protein. It affects a nucleotide within the consensus splice site of the intron.

Literature cited by the submitters: PubMed 17576681 (cited by Labcorp Genetics (formerly Invitae), Labcorp); PubMed 9536098 (cited by Labcorp Genetics (formerly Invitae), Labcorp).